The following is an entry in ClinVar:

ClinVar aggregate classification (germline): Benign (1 of 4 stars; one submission).

Conditions:
Leigh syndrome (NULS). Also called: Leigh's necrotizing encephalopathy; Leigh's disease; Leigh Syndrome (mtDNA deletion); Leigh Disease; Subacute necrotizing encephalopathy; Necrotizing encephalopathy infantile subacute of Leigh. Identifiers: Orphanet 506, MedGen C2931891, MONDO:0009723, OMIM 256000.

Submission:

Wong Mito Lab, Molecular and Human Genetics, Baylor College of Medicine
Classification: Benign for Leigh syndrome. Last evaluated: 2019-10-17. Review status: criteria provided, single submitter. Criteria: Modified ACMG Guidelines (Unpublished). Collection method: clinical testing. Allele origin: germline.
Comment: The NC_012920.1:m.11087T>C (YP_003024035.1:p.Phe110Leu) variant in MTND4 gene is interpretated to be a Benign variant based on the modified ACMG guidelines (unpublished). This variant meets the following evidence codes: BS1, BS2, BP4

NC_012920.1(MT-ND4):m.11087T>C

Gene: MT-ND4 (mitochondrially encoded NADH dehydrogenase 4; plus strand).
Variant type: single nucleotide variant.
Genome position: chrM-11087-T-C.
Identifiers: ClinVar variation 693340 (VCV000693340.1), dbSNP rs28433448, ClinGen allele CA337099089.